The following is an entry in ClinVar:

ClinVar aggregate classification (germline): Uncertain significance (1 of 4 stars; one submission).

Conditions:
Charcot-Marie-Tooth disease recessive intermediate C. Also called: CHARCOT-MARIE-TOOTH NEUROPATHY, RECESSIVE INTERMEDIATE C. Identifiers: Orphanet 369867, MedGen C3809309, MONDO:0014154, OMIM 615376.
Neuronopathy, distal hereditary motor, autosomal recessive 4. Also called: Autosomal recessive lower motor neuron disease with childhood onset; NEUROPATHY, DISTAL HEREDITARY MOTOR, AUTOSOMAL RECESSIVE 4. Identifiers: Orphanet 206580, MedGen C1970211, MONDO:0012608, OMIM 611067.

Allele frequency attached by ClinVar (database versions not stated): gnomAD exomes 0.00001.

Submission:

Labcorp Genetics (formerly Invitae), Labcorp
Classification: Uncertain significance for Neuronopathy, distal hereditary motor, autosomal recessive 4; Charcot-Marie-Tooth disease recessive intermediate C. Last evaluated: 2022-01-14. Review status: criteria provided, single submitter. Criteria: Invitae Variant Classification Sherloc (09022015). Collection method: clinical testing. Allele origin: germline.
Comment: This sequence change replaces glycine, which is neutral and non-polar, with alanine, which is neutral and non-polar, at codon 743 of the PLEKHG5 protein (p.Gly743Ala). This variant is not present in population databases (gnomAD no frequency). This variant has not been reported in the literature in individuals affected with PLEKHG5-related conditions. ClinVar contains an entry for this variant (Variation ID: 848875). Algorithms developed to predict the effect of missense changes on protein structure and function (SIFT, PolyPhen-2, Align-GVGD) all suggest that this variant is likely to be tolerated. In summary, the available evidence is currently insufficient to determine the role of this variant in disease. Therefore, it has been classified as a Variant of Uncertain Significance.

NM_020631.6(PLEKHG5):c.2228G>C (p.Gly743Ala)

Gene: PLEKHG5 (pleckstrin homology and RhoGEF domain containing G5; minus strand). Cytogenetic location: 1p36.31.
Variant type: single nucleotide variant.
Coding change: c.2228G>C on transcript NM_020631.6 (MANE Select); coding-DNA position 2228, G replaced by C.
Protein change: p.Gly743Ala; replaces glycine 743 with alanine.
Molecular consequence: missense variant.
Genome position (GRCh38, 1-based): chr1:6,469,063, C>G on the plus strand (G>C on the coding strand, the complement: PLEKHG5 is on the minus strand). VCF-style: chr1-6469063-C-G. GRCh37 (hg19) VCF-style: chr1-6529123-C-G.
Other names: c.2228G>C, p.Gly743Ala (NM_001042664.2, NM_001042665.2, NM_001265594.3 and 1 more transcripts); c.2339G>C, p.Gly780Ala (NM_001265592.2, NM_001042663.3); c.2435G>C, p.Gly812Ala (NM_001265593.2); short protein forms G743A, G812A, G780A.
Identifiers: ClinVar variation 848875 (VCV000848875.7), dbSNP rs1245961862, ClinGen allele CA338117958.